The following is an entry in ClinVar:

ClinVar aggregate classification (germline): Uncertain significance (1 of 4 stars; one submission).

Conditions:
Neuropathy, hereditary sensory and autonomic, type 2A (HSAN2A). Also called: MORVAN DISEASE; NEUROPATHY, CONGENITAL SENSORY; NEUROPATHY, HEREDITARY SENSORY RADICULAR, AUTOSOMAL RECESSIVE; NEUROPATHY, HEREDITARY SENSORY, TYPE IIA; NEUROPATHY, PROGRESSIVE SENSORY, OF CHILDREN; WNK1-Related HSAN2 (HSAN2A). Identifiers: Orphanet 970, MedGen C2752089, MONDO:0024309, OMIM 201300.
Pseudohypoaldosteronism type 2C (PHA2C). Also called: Pseudohypoaldosteronism Type IIC. Identifiers: Orphanet 757, Orphanet 88940, MedGen C1840391, MONDO:0013778, OMIM 614492.

Allele frequency attached by ClinVar (database versions not stated): gnomAD exomes below 0.00001 and 0.00002; gnomAD 0.00001; TOPMed 0.00001.
gnomAD v4.1: 27 of 1,603,352 alleles (0.0017%); highest among the groups gnomAD compares: Non-Finnish European, 0.0023%; no homozygotes.

Submission:

Labcorp Genetics (formerly Invitae), Labcorp
Classification: Uncertain significance for Neuropathy, hereditary sensory and autonomic, type 2A; Pseudohypoaldosteronism type 2C. Last evaluated: 2025-07-07. Review status: criteria provided, single submitter. Criteria: Invitae Variant Classification Sherloc (09022015). Collection method: clinical testing. Allele origin: germline.
Comment: This sequence change replaces proline, which is neutral and non-polar, with threonine, which is neutral and polar, at codon 1999 of the WNK1 protein (p.Pro1999Thr). The frequency data for this variant in the population databases is considered unreliable, as metrics indicate poor data quality at this position in the gnomAD database. This variant has not been reported in the literature in individuals affected with WNK1-related conditions. ClinVar contains an entry for this variant (Variation ID: 947811). Invitae Evidence Modeling of protein sequence and biophysical properties (such as structural, functional, and spatial information, amino acid conservation, physicochemical variation, residue mobility, and thermodynamic stability) indicates that this missense variant is not expected to disrupt WNK1 protein function with a negative predictive value of 95%. In summary, the available evidence is currently insufficient to determine the role of this variant in disease. Therefore, it has been classified as a Variant of Uncertain Significance.

NM_018979.4(WNK1):c.5239C>A (p.Pro1747Thr)

Gene: WNK1 (WNK lysine deficient protein kinase 1; plus strand). Cytogenetic location: 12p13.33.
Variant type: single nucleotide variant.
Coding change: c.5239C>A on transcript NM_018979.4 (MANE Select); coding-DNA position 5239, C replaced by A.
Protein change: p.Pro1747Thr; replaces proline 1747 with threonine.
Molecular consequence: missense variant.
Genome position (GRCh38, 1-based): chr12:886,043, C>A. VCF-style: chr12-886043-C-A. GRCh37 (hg19) VCF-style: chr12-995209-C-A.
Other names: c.6019C>A, p.Pro2007Thr (NM_001184985.2); c.4498C>A, p.Pro1500Thr (NM_014823.3); c.5995C>A, p.Pro1999Thr (NM_213655.5); short protein forms P1500T, P2007T, P1747T, P1999T.
Identifiers: ClinVar variation 947811 (VCV000947811.7), dbSNP rs1271032330, ClinGen allele CA383332904.
Genomic context (GRCh38, chr12:886,043, plus strand): 5'-CCAGTGGTCACACCTGGGCAAGTTTCTACCCCAGTCAGCACTACTACATCAGGAGTGAAA[C>A]CTGGAACTGCTCCCTCCAAGCCACCTCTAACTAAGGCTCCGGTAAAATTATTGTTATAAA-3'
Protein context (NP_061852.3, residues 1737-1757): PVSTTTSGVK[Pro1747Thr]GTAPSKPPLT